The following is an entry in ClinVar:

ClinVar aggregate classification (germline): Pathogenic (1 of 4 stars; one submission).

Conditions:
Charcot-Marie-Tooth disease dominant intermediate B (CMTDIB). Also called: Charcot-Marie-Tooth disease dominant intermediate 1; CMT DI1; Charcot-Marie-Tooth disease dominant intermediate I; CHARCOT-MARIE-TOOTH NEUROPATHY, DOMINANT INTERMEDIATE B. Identifiers: Orphanet 100044, Orphanet 228179, MedGen C1847902, MONDO:0011674, OMIM 606482.

Submission:

Labcorp Genetics (formerly Invitae), Labcorp
Classification: Pathogenic for Charcot-Marie-Tooth disease dominant intermediate B. Last evaluated: 2025-08-21. Review status: criteria provided, single submitter. Criteria: Invitae Variant Classification Sherloc (09022015). Collection method: clinical testing. Allele origin: germline.
Comment: This sequence change replaces phenylalanine, which is neutral and non-polar, with serine, which is neutral and polar, at codon 372 of the DNM2 protein (p.Phe372Ser). This variant is not present in population databases (gnomAD no frequency). This missense change has been observed in individual(s) with clinical features of DNM2-related conditions (PMID: 26275793, 36324371). In at least one individual the variant was observed to be de novo. ClinVar contains an entry for this variant (Variation ID: 1067936). Invitae Evidence Modeling of protein sequence and biophysical properties (such as structural, functional, and spatial information, amino acid conservation, physicochemical variation, residue mobility, and thermodynamic stability) has been performed for this missense variant. However, the output from this modeling did not meet the statistical confidence thresholds required to predict the impact of this variant on DNM2 protein function. This variant disrupts the p.Phe372 amino acid residue in DNM2. Other variant(s) that disrupt this residue have been determined to be pathogenic (PMID: 26273216; internal data). This suggests that this residue is clinically significant, and that variants that disrupt this residue are likely to be disease-causing. For these reasons, this variant has been classified as Pathogenic.

Literature cited by the submitters: PubMed 26275793; PubMed 36324371; PubMed 26273216.

NM_001005361.3(DNM2):c.1115T>C (p.Phe372Ser)

Gene: DNM2 (dynamin 2; plus strand). Cytogenetic location: 19p13.2.
Variant type: single nucleotide variant.
Coding change: c.1115T>C on transcript NM_001005361.3 (MANE Select); coding-DNA position 1115, T replaced by C.
Protein change: p.Phe372Ser; replaces phenylalanine 372 with serine.
Molecular consequence: missense variant.
Genome position (GRCh38, 1-based): chr19:10,793,842, T>C. VCF-style: chr19-10793842-T-C. GRCh37 (hg19) VCF-style: chr19-10904518-T-C.
Other names: c.1115T>C, p.Phe372Ser (NM_001005360.3, NM_001005362.3, NM_001190716.2 and 1 more transcripts); short protein forms F372S.
Identifiers: ClinVar variation 1067936 (VCV001067936.9), dbSNP rs2146014404, ClinGen allele CA404048070.